The following is an entry in ClinVar:

ClinVar aggregate classification (germline): Likely benign (1 of 4 stars; one submission).

Conditions:
NBEAL2-related disorder. Also called: NBEAL2-related condition.

Submission:

PreventionGenetics, part of Exact Sciences
Classification: Likely benign for NBEAL2-related condition. Last evaluated: 2025-10-08. Review status: criteria provided, single submitter. Criteria: ACMG Guidelines, 2015. Collection method: clinical testing. Allele origin: germline.
Comment: This variant is classified as likely benign based on ACMG/AMP sequence variant interpretation guidelines (Richards et al. 2015 PMID: 25741868, with internal and published modifications).

NM_015175.3(NBEAL2):c.474-3dup

Gene: NBEAL2 (neurobeachin like 2; plus strand). Cytogenetic location: 3p21.31.
Variant type: Duplication.
Coding change: c.474-3dup on transcript NM_015175.3 (MANE Select); 3 bases into the intron before coding-DNA position 474, one base duplicated (C; older notation c.474-3dupC).
Molecular consequence: intron variant.
Genome position (GRCh38, 1-based): chr3:46,989,508, C duplicated; the last of 5 consecutive C bases (chr3:46,989,504-46,989,508); duplicating any one gives the same sequence. VCF-style (leftmost placement, unchanged base first): chr3-46989503-G-GC. GRCh37 (hg19) VCF-style: chr3-47030993-G-GC.
Other names: c.453-3dup (NM_001365116.2).
Identifiers: ClinVar variation 4995300 (VCV004995300.1).